The following is an entry in ClinVar:

ClinVar aggregate classification (germline): Uncertain significance (1 of 4 stars; one submission).

Allele frequency attached by ClinVar (database versions not stated): gnomAD exomes below 0.00001; gnomAD 0.00001; TOPMed 0.00002.
gnomAD v4.1: 8 of 1,613,272 alleles (0.0005%); highest among the groups gnomAD compares: Admixed American, 0.005%; no homozygotes.

Submission:

GeneDx
Classification: Uncertain significance. Last evaluated: 2026-10-06. Review status: criteria provided, single submitter. Criteria: GeneDx Variant Classification Process June 2021. Collection method: clinical testing. Allele origin: germline.
Comment: Not observed at significant frequency in large population cohorts (gnomAD); Missense variant in a gene in which most reported pathogenic variants are truncating/loss of function; Has not been previously published as pathogenic or benign to our knowledge

NM_001267550.2(TTN):c.84578A>G (p.Tyr28193Cys)

Genes: TTN (titin; minus strand), TTN-AS1 (TTN antisense RNA 1; plus strand). Cytogenetic location: 2q31.2.
Variant type: single nucleotide variant.
Coding change: c.84578A>G on transcript NM_001267550.2 (MANE Select); coding-DNA position 84578, A replaced by G.
Protein change: p.Tyr28193Cys; replaces tyrosine 28193 with cysteine.
Molecular consequence: missense variant.
Genome position (GRCh38, 1-based): chr2:178,561,554, T>C on the plus strand (A>G on the coding strand, the complement: TTN is on the minus strand). VCF-style: chr2-178561554-T-C. GRCh37 (hg19) VCF-style: chr2-179426281-T-C.
Other names: c.79655A>G, p.Tyr26552Cys (NM_001256850.1); c.57383A>G, p.Tyr19128Cys (NM_003319.4); c.76874A>G, p.Tyr25625Cys (NM_133378.4); c.57758A>G, p.Tyr19253Cys (NM_133432.3); c.57959A>G, p.Tyr19320Cys (NM_133437.4); short protein forms Y19128C, Y19253C, Y19320C, Y25625C, Y26552C, Y28193C.
Identifiers: ClinVar variation 1703330 (VCV001703330.3), dbSNP rs935341485, ClinGen allele CA60985094.
Genomic context (GRCh38, chr2:178,561,554, plus strand): 5'-TGAGTATCAGCAATGAGGATTTTATTTGCTTTTGACCAAAGAATGCTGCTTCTTTCTTTA[T>C]ACTCAAGATGATAGCCAATTACTCGACTTCCTCCATCATTAACTGGCACTTGCCAGGTTA-3'
Protein context (NP_001254479.2, residues 28183-28203): GSRVIGYHLE[Tyr28193Cys]KERSSILWSK